The following is an entry in ClinVar:

NM_005458.8(GABBR2):c.2755_2778dup (p.Val919_Arg926dup)

Gene: GABBR2 (gamma-aminobutyric acid type B receptor subunit 2; minus strand). Cytogenetic location: 9q22.33.
Variant type: Duplication.
Coding change: c.2755_2778dup on transcript NM_005458.8 (MANE Select); coding-DNA positions 2755 to 2778, 24 bases duplicated (GTCAGCCCCACCGCCAGCCCCCGC).
Protein change: p.Val919_Arg926dup.
Molecular consequence: inframe insertion.
Genome position (GRCh38, 1-based): chr9:98,290,632-98,290,655, GCGGGGGCTGGCGGTGGGGCTGAC duplicated on the plus strand (GTCAGCCCCACCGCCAGCCCCCGC on the coding strand, the reverse complement: GABBR2 is on the minus strand); duplicating any 24 consecutive bases within chr9:98,290,632-98,290,657 gives the same sequence; the c. name uses the placement nearest the transcript's 3' end. VCF-style (leftmost placement, unchanged base first): chr9-98290631-G-GGCGGGGGCTGGCGGTGGGGCTGAC. GRCh37 (hg19) VCF-style: chr9-101052913-G-GGCGGGGGCTGGCGGTGGGGCTGAC.
Identifiers: ClinVar variation 1427254 (VCV001427254.8), dbSNP rs2131331420, ClinGen allele CA2573144922.

ClinVar aggregate classification (germline): Uncertain significance (1 of 4 stars; one submission).

Conditions:
Epileptic encephalopathy. Identifiers: MedGen C0543888, HP:0200134.

Submission:

Labcorp Genetics (formerly Invitae), Labcorp
Classification: Uncertain significance for Epileptic encephalopathy. Last evaluated: 2024-01-11. Review status: criteria provided, single submitter. Criteria: Invitae Variant Classification Sherloc (09022015). Collection method: clinical testing. Allele origin: germline.
Comment: This variant, c.2755_2778dup, results in the insertion of 8 amino acid(s) of the GABBR2 protein (p.Val919_Arg926dup), but otherwise preserves the integrity of the reading frame. This variant is not present in population databases (gnomAD no frequency). This variant has not been reported in the literature in individuals affected with GABBR2-related conditions. ClinVar contains an entry for this variant (Variation ID: 1427254). Experimental studies and prediction algorithms are not available or were not evaluated, and the functional significance of this variant is currently unknown. In summary, the available evidence is currently insufficient to determine the role of this variant in disease. Therefore, it has been classified as a Variant of Uncertain Significance.